The following is an entry in ClinVar:

ClinVar aggregate classification (germline): Uncertain significance (1 of 4 stars; one submission).

Submission:

Women's Health and Genetics/Laboratory Corporation of America, LabCorp
Classification: Uncertain significance. Last evaluated: 2024-09-09. Review status: criteria provided, single submitter. Criteria: LabCorp Variant Classification Summary - May 2015. Collection method: clinical testing. Allele origin: germline.
Comment: Variant summary: The variant involves the deletion of exons 3-5 in the COL5A2 gene. A presumed nomenclature of c.(322+1_323-1)_(402+1_403-1)del has been designated for the purposes of this classification. This Copy Number Variant (CNV) is expected to alter the reading frame and predicted to result in a truncation or absence of the encoded protein due to nonsense mediated decay (NMD). Current evidence is not sufficient to establish loss of function as a mechanism for disease (see e.g. PMID 35964930). The variant was absent in 21694 control chromosomes in the gnomAD database (Structural Variants v4.1 dataset). The available data on variant occurrences in the general population are insufficient to allow any conclusion about variant significance. To our knowledge, no occurrence of c.(322+1_323-1)_(402+1_403-1)del in individuals affected with Ehlers-Danlos Syndrome and no experimental evidence demonstrating its impact on protein function have been reported. No submitters have cited clinical-significance assessments for this variant to ClinVar. Based on the evidence outlined above, the variant was classified as uncertain significance.

NC_000002.11:g.(189962057_189963452)_(189969004_189974950)del

Gene: COL5A2 (collagen type V alpha 2 chain; minus strand). Cytogenetic location: 2q32.2.
Variant type: Deletion.
Identifiers: ClinVar variation 3374972 (VCV003374972.1).